The following is an entry in ClinVar:

ClinVar aggregate classification (germline): Pathogenic. Review status: reviewed by expert panel (3 of 4 stars). 4 submissions from 4 submitters: Pathogenic (1). 3 of the submissions do not count toward it. Last evaluated 2016-10-18.

Conditions:
Hereditary breast ovarian cancer syndrome. Also called: Hereditary breast and ovarian cancer; Hereditary breast and ovarian cancer syndrome (HBOC); Hereditary breast and/or ovarian cancer syndrome; Breast and ovarian cancer; Hereditary breast and ovarian cancer syndrome; BRCA1- and BRCA2-Associated Hereditary Breast and Ovarian Cancer. Identifiers: Orphanet 145, MedGen C0677776, MeSH D061325, MONDO:0003582. Disease mechanism: loss of function.
Breast-ovarian cancer, familial, susceptibility to, 2 (BROVCA2). Also called: BRCA2 Hereditary Breast and Ovarian Cancer. Identifiers: Orphanet 145, MedGen C2675520, MONDO:0012933, OMIM 612555. Disease mechanism: loss of function.

Submissions (4):

Evidence-based Network for the Interpretation of Germline Mutant Alleles (ENIGMA)
Classification: Pathogenic for Breast-ovarian cancer, familial, susceptibility to, 2. Last evaluated: 2016-10-18. Review status: reviewed by expert panel. Criteria: ENIGMA BRCA1/2 Classification Criteria (2015). Collection method: curation. Allele origin: germline.
Comment: Variant allele predicted to encode a truncated non-functional protein.

GeneDx
Classification: Pathogenic. Last evaluated: 2023-12-16. Review status: criteria provided, single submitter. Criteria: GeneDx Variant Classification Process June 2021. Collection method: clinical testing. Allele origin: germline. Affected: yes. Not counted in ClinVar's aggregate classification.
Comment: Frameshift variant predicted to result in protein truncation or nonsense mediated decay in a gene for which loss of function is a known mechanism of disease; Identified in individual(s) with breast and/or ovarian cancer (PMID: 27062684); Not observed at significant frequency in large population cohorts (gnomAD); Truncating variants in this gene are considered pathogenic by a well-established clinical consortium and/or database; Also known as 2742dup; This variant is associated with the following publications: (PMID: 27062684)

Labcorp Genetics (formerly Invitae), Labcorp
Classification: Pathogenic for Hereditary breast ovarian cancer syndrome. Last evaluated: 2021-08-19. Review status: criteria provided, single submitter. Criteria: Invitae Variant Classification Sherloc (09022015). Collection method: clinical testing. Allele origin: germline. Not counted in ClinVar's aggregate classification.
Comment: For these reasons, this variant has been classified as Pathogenic. ClinVar contains an entry for this variant (Variation ID: 266707). This premature translational stop signal has been observed in individual(s) with a personal or family history of breast and/or ovarian cancer (PMID: 27062684). This variant is not present in population databases (ExAC no frequency). This sequence change creates a premature translational stop signal (p.Tyr839Ilefs*42) in the BRCA2 gene. It is expected to result in an absent or disrupted protein product. Loss-of-function variants in BRCA2 are known to be pathogenic (PMID: 20104584).

Consortium of Investigators of Modifiers of BRCA1/2 (CIMBA), c/o University of Cambridge
Classification: Pathogenic for Breast-ovarian cancer, familial, susceptibility to, 2. Last evaluated: 2015-10-02. Review status: criteria provided, single submitter. Criteria: CIMBA Mutation Classification guidelines May 2016. Collection method: clinical testing. Allele origin: germline. Not counted in ClinVar's aggregate classification.

Literature cited by the submitters: PubMed 27062684 (cited by Labcorp Genetics (formerly Invitae), Labcorp); PubMed 20104584 (cited by Labcorp Genetics (formerly Invitae), Labcorp).

NM_000059.4(BRCA2):c.2514dup (p.Tyr839fs)

Gene: BRCA2 (BRCA2 DNA repair associated; plus strand). Cytogenetic location: 13q13.1.
Variant type: Duplication.
Coding change: c.2514dup on transcript NM_000059.4 (MANE Select); coding-DNA position 2514, one base duplicated (A; older notation c.2514dupA).
Protein change: p.Tyr839fs; shifts the reading frame from tyrosine 839.
Molecular consequence: frameshift variant.
Genome position (GRCh38, 1-based): chr13:32,336,869, A duplicated; the last of 5 consecutive A bases (chr13:32,336,865-32,336,869); duplicating any one gives the same sequence. VCF-style (leftmost placement, unchanged base first): chr13-32336864-G-GA. GRCh37 (hg19) VCF-style: chr13-32911001-G-GA.
Other names: 2742insA; short protein forms Y839fs.
Identifiers: ClinVar variation 266707 (VCV000266707.12), dbSNP rs886040433, ClinGen allele CA10589160.
Genomic context (GRCh38, chr13:32,336,864, plus strand): 5'-AAGAATCAAGATGTATGTGCTTTAAATGAAAATTATAAAAACGTTGAGCTGTTGCCACCT[G>GA]AAAAATACATGAGAGTAGCATCACCTTCAAGAAAGGTACAATTCAACCAAAACACAAATC-3'